The following is an entry in ClinVar:

ClinVar aggregate classification (germline): Uncertain significance (1 of 4 stars; one submission).

Conditions:
Hypertrophic cardiomyopathy 26. Also called: Cardiomyopathy, familial hypertrophic, 26. Identifiers: Orphanet 75249, MedGen C4310749, MONDO:0014883, OMIM 617047.
Myofibrillar myopathy 5. Also called: Filaminopathy (type); FILAMINOPATHY, AUTOSOMAL DOMINANT. Identifiers: Orphanet 171445, MedGen C1836050, MONDO:0012289, OMIM 609524.
Distal myopathy with posterior leg and anterior hand involvement. Also called: WILLIAMS DISTAL MYOPATHY. Identifiers: Orphanet 63273, MedGen C3279722, MONDO:0013550, OMIM 614065.

Submission:

Labcorp Genetics (formerly Invitae), Labcorp
Classification: Uncertain significance for Distal myopathy with posterior leg and anterior hand involvement; Myofibrillar myopathy 5; Hypertrophic cardiomyopathy 26. Last evaluated: 2022-11-01. Review status: criteria provided, single submitter. Criteria: Invitae Variant Classification Sherloc (09022015). Collection method: clinical testing. Allele origin: germline.
Comment: In summary, the available evidence is currently insufficient to determine the role of this variant in disease. Therefore, it has been classified as a Variant of Uncertain Significance. Advanced modeling of protein sequence and biophysical properties (such as structural, functional, and spatial information, amino acid conservation, physicochemical variation, residue mobility, and thermodynamic stability) has been performed at Invitae for this missense variant, however the output from this modeling did not meet the statistical confidence thresholds required to predict the impact of this variant on FLNC protein function. ClinVar contains an entry for this variant (Variation ID: 1414231). This variant has not been reported in the literature in individuals affected with FLNC-related conditions. This variant is not present in population databases (gnomAD no frequency). This sequence change replaces tyrosine, which is neutral and polar, with histidine, which is basic and polar, at codon 841 of the FLNC protein (p.Tyr841His).

NM_001458.5(FLNC):c.2521T>C (p.Tyr841His)

Gene: FLNC (filamin C; plus strand). Cytogenetic location: 7q32.1.
Variant type: single nucleotide variant.
Coding change: c.2521T>C on transcript NM_001458.5 (MANE Select); coding-DNA position 2521, T replaced by C.
Protein change: p.Tyr841His; replaces tyrosine 841 with histidine.
Molecular consequence: missense variant.
Genome position (GRCh38, 1-based): chr7:128,842,925, T>C. VCF-style: chr7-128842925-T-C. GRCh37 (hg19) VCF-style: chr7-128482979-T-C.
Other names: c.2521T>C, p.Tyr841His (NM_001127487.2); short protein forms Y841H.
Identifiers: ClinVar variation 1414231 (VCV001414231.6), dbSNP rs2128935808, ClinGen allele CA369191921.
Genomic context (GRCh38, chr7:128,842,925, plus strand): 5'-ATCATCAAGAATGACAACGACACCTTCACCGTCAAGTACACGCCACCAGGGGCGGGCCGC[T>C]ACACCATCATGGTGCTGTTTGCCAACCAGGTACCTAAGCTCCTGGGTACTCACAGCGACA-3'
Protein context (NP_001449.3, residues 831-851): VKYTPPGAGR[Tyr841His]TIMVLFANQE